The following is an entry in ClinVar:

NM_001177314.2(RRAS2):c.-1C>A

Gene: RRAS2 (RAS related 2; minus strand). Cytogenetic location: 11p15.2.
Variant type: single nucleotide variant.
Coding change: c.-1C>A on transcript NM_001177314.2; 1 bases upstream of the start codon, C replaced by A.
Molecular consequence: 5 prime UTR variant.
Genome position (GRCh38, 1-based): chr11:14,364,394, G>T on the plus strand (C>A on the coding strand, the complement: RRAS2 is on the minus strand). VCF-style: chr11-14364394-G-T. GRCh37 (hg19) VCF-style: chr11-14385940-G-T.
Identifiers: ClinVar variation 3778102 (VCV003778102.7).
Genomic context (GRCh38, chr11:14,364,394, plus strand): 5'-CCAAGACCTGTTGGCCAAAGAAGGCCAAGCCCCCAGATCAGAGCCTGCAATACTTACCAT[G>T]GGTGATGGAGGAGCATCATCCACTTATTTCCTTAATGGGCCATTGCTTTTAATGTGAATG-3'

ClinVar aggregate classification (germline): Likely benign (1 of 4 stars; one submission).

gnomAD v4.1: 281 of 1,535,940 alleles (0.018%); highest among the groups gnomAD compares: South Asian, 0.31%; 1 homozygote.

Submission:

CeGaT Center for Human Genetics Tuebingen
Classification: Likely benign. Last evaluated: 2025-03-01. Review status: criteria provided, single submitter. Criteria: CeGaT Center For Human Genetics Tuebingen Variant Classification Criteria Version 2. Collection method: clinical testing. Allele origin: germline. Affected: yes. Observed: 1 variant allele.
Comment: RRAS2: BP4, BS1